The following is an entry in ClinVar:

NM_017514.5(PLXNA3):c.758C>T (p.Ala253Val)

Gene: PLXNA3 (plexin A3; plus strand). Cytogenetic location: Xq28.
Variant type: single nucleotide variant.
Coding change: c.758C>T on transcript NM_017514.5 (MANE Select); coding-DNA position 758, C replaced by T.
Protein change: p.Ala253Val; replaces alanine 253 with valine.
Molecular consequence: missense variant.
Genome position (GRCh38, 1-based): chrX:154,461,262, C>T. VCF-style: chrX-154461262-C-T. GRCh37 (hg19) VCF-style: chrX-153689602-C-T.
Other names: short protein forms A253V.
Identifiers: ClinVar variation 3053973 (VCV003053973.2), dbSNP rs147390702, ClinGen allele CA10563801.

ClinVar aggregate classification (germline): Likely benign (0 of 4 stars; one submission).

Conditions:
PLXNA3-related disorder. Also called: PLXNA3-related condition.

Allele frequency attached by ClinVar (database versions not stated): 1000 Genomes Project 30x 0.00021; 1000 Genomes Project 0.00026; TOPMed 0.00042; gnomAD 0.00044; ExAC 0.00055; ESP Exome Variant Server 0.00095.

Submission:

PreventionGenetics, part of Exact Sciences
Classification: Likely benign for PLXNA3-related condition. Last evaluated: 2022-06-22. Review status: no assertion criteria provided. Collection method: clinical testing. Allele origin: germline.
Comment: This variant is classified as likely benign based on ACMG/AMP sequence variant interpretation guidelines (Richards et al. 2015 PMID: 25741868, with internal and published modifications).